The following is an entry in ClinVar:

ClinVar aggregate classification (germline): Likely benign. Review status: criteria provided, single submitter (1 of 4 stars). 2 submissions from 2 submitters: Likely benign (1). 1 of the submissions does not count toward it. Last evaluated 2021-04-12.

Conditions:
KLHL15-related disorder. Also called: KLHL15-related condition.

Allele frequency attached by ClinVar (database versions not stated): ExAC 0.00002; TOPMed 0.00003; gnomAD 0.00005.
gnomAD v4.1: 94 of 1,209,572 alleles (0.0078%); highest among the groups gnomAD compares: South Asian, 0.014%; no homozygotes.

Submissions (2):

Blueprint Genetics
Classification: Likely benign. Last evaluated: 2021-04-12. Review status: criteria provided, single submitter. Criteria: ACMG Guidelines, 2015. Collection method: clinical testing. Allele origin: germline.

PreventionGenetics, part of Exact Sciences
Classification: Likely benign for KLHL15-related condition. Last evaluated: 2019-06-12. Review status: no assertion criteria provided. Collection method: clinical testing. Allele origin: germline. Not counted in ClinVar's aggregate classification.
Comment: This variant is classified as likely benign based on ACMG/AMP sequence variant interpretation guidelines (Richards et al. 2015 PMID: 25741868, with internal and published modifications).

NM_030624.3(KLHL15):c.441C>T (p.Ile147=)

Gene: KLHL15 (kelch like family member 15; minus strand). Cytogenetic location: Xp22.11.
Variant type: single nucleotide variant.
Coding change: c.441C>T on transcript NM_030624.3 (MANE Select); coding-DNA position 441, C replaced by T.
Protein change: p.Ile147=; no amino-acid change (isoleucine 147 retained).
Molecular consequence: synonymous variant.
Genome position (GRCh38, 1-based): chrX:24,006,253, G>A on the plus strand (C>T on the coding strand, the complement: KLHL15 is on the minus strand). VCF-style: chrX-24006253-G-A. GRCh37 (hg19) VCF-style: chrX-24024370-G-A.
Identifiers: ClinVar variation 3034066 (VCV003034066.3), dbSNP rs779509830, ClinGen allele CA10370569.